The following is an entry in ClinVar:

NM_001376.5(DYNC1H1):c.161C>T (p.Ala54Val)

Gene: DYNC1H1 (dynein cytoplasmic 1 heavy chain 1; plus strand). Cytogenetic location: 14q32.31.
Variant type: single nucleotide variant.
Coding change: c.161C>T on transcript NM_001376.5 (MANE Select); coding-DNA position 161, C replaced by T.
Protein change: p.Ala54Val; replaces alanine 54 with valine.
Molecular consequence: missense variant.
Genome position (GRCh38, 1-based): chr14:101,964,852, C>T. VCF-style: chr14-101964852-C-T. GRCh37 (hg19) VCF-style: chr14-102431189-C-T.
Other names: short protein forms A54V.
Identifiers: ClinVar variation 312616 (VCV000312616.14), dbSNP rs772070566, ClinGen allele CA7351456.

ClinVar aggregate classification (germline): Conflicting classifications of pathogenicity. Review status: criteria provided, conflicting classifications (1 of 4 stars). 5 submissions from 4 submitters: Uncertain significance (4); Likely benign (1). Last evaluated 2025-10-26.

Conditions:
DYNC1H1-related disorder. Also called: DYNC1H1-related disorders; DYNC1H1-related condition. Identifiers: MedGen CN381529.
Autosomal dominant cerebellar ataxia. Also called: Spinocerebellar Ataxia, Dominant. Identifiers: Orphanet 99, MedGen C4087347, MONDO:0020380.
Charcot-Marie-Tooth disease axonal type 2O. Also called: Charcot-Marie-Tooth Neuropathy Type 2O; CHARCOT-MARIE-TOOTH NEUROPATHY, AXONAL, TYPE 2O; CHARCOT-MARIE-TOOTH DISEASE, AXONAL, AUTOSOMAL DOMINANT, TYPE 2O; Charcot-Marie-Tooth disease, axonal, type 20. Identifiers: Orphanet 284232, MedGen C3280220, MONDO:0013644, OMIM 614228.
Inborn genetic diseases. Identifiers: MedGen C0950123, MeSH D030342.

Allele frequency attached by ClinVar (database versions not stated): gnomAD 0.00003; TOPMed 0.00003.
gnomAD v4.1: 78 of 1,598,042 alleles (0.0049%); highest among the groups gnomAD compares: Non-Finnish European, 0.0065%; no homozygotes.

Submissions (5):

Labcorp Genetics (formerly Invitae), Labcorp
Classification: Likely benign for Charcot-Marie-Tooth disease axonal type 2O. Last evaluated: 2025-10-26. Review status: criteria provided, single submitter. Criteria: Invitae Variant Classification Sherloc (09022015). Collection method: clinical testing. Allele origin: germline.

PreventionGenetics, part of Exact Sciences
Classification: Uncertain significance for DYNC1H1-related condition. Last evaluated: 2025-03-12. Review status: criteria provided, single submitter. Criteria: ACMG Guidelines, 2015. Collection method: clinical testing. Allele origin: germline.
Comment: The DYNC1H1 c.161C>T variant is predicted to result in the amino acid substitution p.Ala54Val. To our knowledge, this variant has not been reported in the literature. This variant is reported in 0.0082% of alleles in individuals of African descent in gnomAD. At this time, the clinical significance of this variant is uncertain due to the absence of conclusive functional and genetic evidence.

Ambry Genetics
Classification: Uncertain significance for Inborn genetic diseases. Last evaluated: 2020-10-28. Review status: criteria provided, single submitter. Criteria: Ambry Variant Classification Scheme 2023. Collection method: clinical testing. Allele origin: germline.
Comment: The p.A54V variant (also known as c.161C>T), located in coding exon 1 of the DYNC1H1 gene, results from a C to T substitution at nucleotide position 161. The alanine at codon 54 is replaced by valine, an amino acid with similar properties. This missense alteration is located in a region that has a low rate of benign missense variation (Lek M et al. Nature. 2016 Aug 18;536(7616):285-91; DECIPHER: Database of Chromosomal Imbalance and Phenotype in Humans using Ensembl Resources. Firth H.V. et al. 2009. Am.J.Hum.Genet. 84, 524-533 (DOI)). This amino acid position is well conserved in available vertebrate species. In addition, this alteration is predicted to be tolerated by in silico analysis. Since supporting evidence is limited at this time, the clinical significance of this alteration remains unclear.

Illumina Laboratory Services, Illumina
Classification: Uncertain significance for Spinocerebellar Ataxia, Dominant. Last evaluated: 2018-01-12. Review status: criteria provided, single submitter. Criteria: ICSL Variant Classification Criteria 13 December 2019. Collection method: clinical testing. Allele origin: germline.

Illumina Laboratory Services, Illumina
Classification: Uncertain significance for Charcot-Marie-Tooth disease axonal type 2O. Last evaluated: 2018-01-12. Review status: criteria provided, single submitter. Criteria: ICSL Variant Classification Criteria 13 December 2019. Collection method: clinical testing. Allele origin: germline.